The following is an entry in ClinVar:

ClinVar aggregate classification (germline): Uncertain significance. Review status: criteria provided, multiple submitters, no conflicts (2 of 4 stars). 2 submissions from 2 submitters: Uncertain significance (2). Last evaluated 2025-08-01.

Conditions:
Inborn genetic diseases. Identifiers: MedGen C0950123, MeSH D030342.

Allele frequency attached by ClinVar (database versions not stated): gnomAD exomes below 0.00001 and 0.00001; TOPMed 0.00001.
gnomAD v4.1: 11 of 1,614,144 alleles (0.00068%); highest among the groups gnomAD compares: Middle Eastern, 0.033%; no homozygotes.

Submissions (2):

Ambry Genetics
Classification: Uncertain significance for Inborn genetic diseases. Last evaluated: 2025-08-01. Review status: criteria provided, single submitter. Criteria: Ambry Variant Classification Scheme 2023. Collection method: clinical testing. Allele origin: germline.

Labcorp Genetics (formerly Invitae), Labcorp
Classification: Uncertain significance. Last evaluated: 2024-11-05. Review status: criteria provided, single submitter. Criteria: Invitae Variant Classification Sherloc (09022015). Collection method: clinical testing. Allele origin: germline.
Comment: This sequence change replaces serine, which is neutral and polar, with threonine, which is neutral and polar, at codon 413 of the LRIT3 protein (p.Ser413Thr). This variant is present in population databases (no rsID available, gnomAD no frequency). This variant has not been reported in the literature in individuals affected with LRIT3-related conditions. ClinVar contains an entry for this variant (Variation ID: 1347479). An algorithm developed to predict the effect of missense changes on protein structure and function (PolyPhen-2) suggests that this variant is likely to be tolerated. In summary, the available evidence is currently insufficient to determine the role of this variant in disease. Therefore, it has been classified as a Variant of Uncertain Significance.

NM_198506.5(LRIT3):c.1237T>A (p.Ser413Thr)

Gene: LRIT3 (leucine rich repeat, Ig-like and transmembrane domains 3; plus strand). Cytogenetic location: 4q25.
Variant type: single nucleotide variant.
Coding change: c.1237T>A on transcript NM_198506.5 (MANE Select); coding-DNA position 1237, T replaced by A.
Protein change: p.Ser413Thr; replaces serine 413 with threonine.
Molecular consequence: missense variant.
Genome position (GRCh38, 1-based): chr4:109,869,986, T>A. VCF-style: chr4-109869986-T-A. GRCh37 (hg19) VCF-style: chr4-110791142-T-A.
Other names: c.1102T>A (NM_198506.2); short protein forms S413T.
Identifiers: ClinVar variation 1347479 (VCV001347479.9), dbSNP rs1271056495, ClinGen allele CA357870573.